The following is an entry in ClinVar:

NM_000263.4(NAGLU):c.1142T>C (p.Leu381Pro)

Gene: NAGLU (N-acetyl-alpha-glucosaminidase; plus strand). Cytogenetic location: 17q21.2.
Variant type: single nucleotide variant.
Coding change: c.1142T>C on transcript NM_000263.4 (MANE Select); coding-DNA position 1142, T replaced by C.
Protein change: p.Leu381Pro; replaces leucine 381 with proline.
Molecular consequence: missense variant.
Genome position (GRCh38, 1-based): chr17:42,543,148, T>C. VCF-style: chr17-42543148-T-C. GRCh37 (hg19) VCF-style: chr17-40695166-T-C.
Other names: c.1142T>C (NM_000263.3); short protein forms L381P.
Identifiers: ClinVar variation 1502547 (VCV001502547.6), dbSNP rs2143108019, ClinGen allele CA399601213.
Genomic context (GRCh38, chr17:42,543,148, plus strand): 5'-GGGGGCCCGCCCAGATCAGGGCTGTGCTGGGAGCTGTGCCCCGTGGCCGCCTCCTGGTTC[T>C]GGACCTGTTTGCTGAGAGCCAGCCTGTGTATACCCGCACTGCCTCCTTCCAGGGCCAGCC-3'
Protein context (NP_000254.2, residues 371-391): GAVPRGRLLV[Leu381Pro]DLFAESQPVY

ClinVar aggregate classification (germline): Conflicting classifications of pathogenicity. Review status: criteria provided, conflicting classifications (1 of 4 stars). 2 submissions from 2 submitters: Likely pathogenic (1); Uncertain significance (1). Last evaluated 2024-05-10.

Conditions:
Mucopolysaccharidosis, MPS-III-B (MPS3B). Also called: N-ACETYL-ALPHA-D-GLUCOSAMINIDASE DEFICIENCY; NAGLU DEFICIENCY; SANFILIPPO SYNDROME B; MPS III B; MPS IIIB (Sanfilippo Syndrome Type B); MUCOPOLYSACCHARIDOSIS, TYPE IIIB. Identifiers: Orphanet 79270, MedGen C0086648, MONDO:0009656, OMIM 252920.
Charcot-Marie-Tooth disease axonal type 2V. Also called: CHARCOT-MARIE-TOOTH NEUROPATHY, TYPE 2V; CHARCOT-MARIE-TOOTH DISEASE, AXONAL, AUTOSOMAL DOMINANT, TYPE 2V. Identifiers: Orphanet 447964, MedGen C5569050, MONDO:0014665, OMIM 616491.

Allele frequency attached by ClinVar (database versions not stated): gnomAD exomes below 0.00001.

Submissions (2):

GeneDx
Classification: Likely pathogenic. Last evaluated: 2024-05-10. Review status: criteria provided, single submitter. Criteria: GeneDx Variant Classification Process June 2021. Collection method: clinical testing. Allele origin: germline. Affected: yes.
Comment: Not observed at significant frequency in large population cohorts (gnomAD); In silico analysis supports that this missense variant has a deleterious effect on protein structure/function; Has not been previously published as pathogenic or benign to our knowledge

Labcorp Genetics (formerly Invitae), Labcorp
Classification: Uncertain significance for Charcot-Marie-Tooth disease axonal type 2V; Mucopolysaccharidosis, MPS-III-B. Last evaluated: 2021-08-31. Review status: criteria provided, single submitter. Criteria: Invitae Variant Classification Sherloc (09022015). Collection method: clinical testing. Allele origin: germline.
Comment: This sequence change replaces leucine with proline at codon 381 of the NAGLU protein (p.Leu381Pro). The leucine residue is highly conserved and there is a moderate physicochemical difference between leucine and proline. This variant is not present in population databases (ExAC no frequency). This variant has not been reported in the literature in individuals affected with NAGLU-related conditions. Advanced modeling of protein sequence and biophysical properties (such as structural, functional, and spatial information, amino acid conservation, physicochemical variation, residue mobility, and thermodynamic stability) performed at Invitae indicates that this missense variant is expected to disrupt NAGLU protein function. In summary, the available evidence is currently insufficient to determine the role of this variant in disease. Therefore, it has been classified as a Variant of Uncertain Significance.